The following is an entry in ClinVar:

NM_014270.5(SLC7A9):c.1076G>T (p.Gly359Val)

Gene: SLC7A9 (solute carrier family 7 member 9; minus strand). Cytogenetic location: 19q13.11.
Variant type: single nucleotide variant.
Coding change: c.1076G>T on transcript NM_014270.5 (MANE Select); coding-DNA position 1076, G replaced by T.
Protein change: p.Gly359Val; replaces glycine 359 with valine.
Molecular consequence: missense variant.
Genome position (GRCh38, 1-based): chr19:32,842,316, C>A on the plus strand (G>T on the coding strand, the complement: SLC7A9 is on the minus strand). VCF-style: chr19-32842316-C-A. GRCh37 (hg19) VCF-style: chr19-33333222-C-A.
Other names: c.1076G>T, p.Gly359Val (NM_001126335.2, NM_001243036.2); short protein forms G359V.
Identifiers: ClinVar variation 1449935 (VCV001449935.8), dbSNP rs749278890, ClinGen allele CA307489211.

ClinVar aggregate classification (germline): Uncertain significance (1 of 4 stars; one submission).

Allele frequency attached by ClinVar (database versions not stated): gnomAD 0.00001; gnomAD exomes 0.00002; TOPMed 0.00002.
gnomAD v4.1: 141 of 1,612,974 alleles (0.0087%); highest among the groups gnomAD compares: Non-Finnish European, 0.012%; no homozygotes.

Submission:

Labcorp Genetics (formerly Invitae), Labcorp
Classification: Uncertain significance. Last evaluated: 2021-07-13. Review status: criteria provided, single submitter. Criteria: Invitae Variant Classification Sherloc (09022015). Collection method: clinical testing. Allele origin: germline.
Comment: This variant is not present in population databases (ExAC no frequency). This variant has been observed in individual(s) with cystinuria (Invitae). Algorithms developed to predict the effect of missense changes on protein structure and function are either unavailable or do not agree on the potential impact of this missense change (SIFT: "Deleterious"; PolyPhen-2: "Possibly Damaging"; Align-GVGD: "Class C0"). In summary, the available evidence is currently insufficient to determine the role of this variant in disease. Therefore, it has been classified as a Variant of Uncertain Significance. This sequence change replaces glycine with valine at codon 359 of the SLC7A9 protein (p.Gly359Val). The glycine residue is highly conserved and there is a moderate physicochemical difference between glycine and valine.